The following is an entry in ClinVar:

NM_000057.4(BLM):c.392C>T (p.Ser131Phe)

Gene: BLM (BLM RecQ like helicase; plus strand). Cytogenetic location: 15q26.1.
Variant type: single nucleotide variant.
Coding change: c.392C>T on transcript NM_000057.4 (MANE Select); coding-DNA position 392, C replaced by T.
Protein change: p.Ser131Phe; replaces serine 131 with phenylalanine.
Molecular consequence: missense variant. On other transcripts: 5 prime UTR variant (1).
Genome position (GRCh38, 1-based): chr15:90,749,660, C>T. VCF-style: chr15-90749660-C-T. GRCh37 (hg19) VCF-style: chr15-91292890-C-T.
Other names: c.392C>T, p.Ser131Phe (NM_001287246.2, NM_001287247.2); c.-900C>T (NM_001287248.2); short protein forms S131F.
Identifiers: ClinVar variation 2812508 (VCV002812508.3), dbSNP rs2505392026, ClinGen allele CA393840453.

ClinVar aggregate classification (germline): Uncertain significance (1 of 4 stars; one submission).

Conditions:
Bloom syndrome (BLM). Also called: Bloom-Torre-Machacek syndrome. Identifiers: Orphanet 125, MedGen C0005859, MONDO:0008876, OMIM 210900.

Allele frequency attached by ClinVar (database versions not stated): gnomAD exomes below 0.00001.
gnomAD v4.1: 1 of 1,614,122 alleles (0.000062%); highest among the groups gnomAD compares: Non-Finnish European, 0.000085%; no homozygotes.

Submission:

Labcorp Genetics (formerly Invitae), Labcorp
Classification: Uncertain significance for Bloom syndrome. Last evaluated: 2022-11-10. Review status: criteria provided, single submitter. Criteria: Invitae Variant Classification Sherloc (09022015). Collection method: clinical testing. Allele origin: germline.
Comment: This sequence change replaces serine, which is neutral and polar, with phenylalanine, which is neutral and non-polar, at codon 131 of the BLM protein (p.Ser131Phe). This variant is not present in population databases (gnomAD no frequency). This variant has not been reported in the literature in individuals affected with BLM-related conditions. Algorithms developed to predict the effect of missense changes on protein structure and function output the following: SIFT: "Tolerated"; PolyPhen-2: "Benign"; Align-GVGD: "Class C0". The phenylalanine amino acid residue is found in multiple mammalian species, which suggests that this missense change does not adversely affect protein function. In summary, the available evidence is currently insufficient to determine the role of this variant in disease. Therefore, it has been classified as a Variant of Uncertain Significance.